The following is an entry in ClinVar:

ClinVar aggregate classification (germline): Uncertain significance (1 of 4 stars; one submission).

Allele frequency attached by ClinVar (database versions not stated): gnomAD 0.00005; gnomAD exomes 0.00006; ESP Exome Variant Server 0.00008; TOPMed 0.00008; ExAC 0.00010.
gnomAD v4.1: 92 of 1,613,650 alleles (0.0057%); highest among the groups gnomAD compares: Non-Finnish European, 0.0075%; no homozygotes.

Submission:

Labcorp Genetics (formerly Invitae), Labcorp
Classification: Uncertain significance. Last evaluated: 2023-05-22. Review status: criteria provided, single submitter. Criteria: Invitae Variant Classification Sherloc (09022015). Collection method: clinical testing. Allele origin: germline.
Comment: In summary, the available evidence is currently insufficient to determine the role of this variant in disease. Therefore, it has been classified as a Variant of Uncertain Significance. An algorithm developed to predict the effect of missense changes on protein structure and function (PolyPhen-2) suggests that this variant is likely to be disruptive. ClinVar contains an entry for this variant (Variation ID: 2085521). This variant has not been reported in the literature in individuals affected with FNIP1-related conditions. This variant is present in population databases (rs143245360, gnomAD 0.01%). This sequence change replaces arginine, which is basic and polar, with glycine, which is neutral and non-polar, at codon 957 of the FNIP1 protein (p.Arg957Gly).

NM_133372.3(FNIP1):c.2869A>G (p.Arg957Gly)

Gene: FNIP1 (folliculin interacting protein 1; minus strand). Cytogenetic location: 5q31.1.
Variant type: single nucleotide variant.
Coding change: c.2869A>G on transcript NM_133372.3 (MANE Select); coding-DNA position 2869, A replaced by G.
Protein change: p.Arg957Gly; replaces arginine 957 with glycine.
Molecular consequence: missense variant.
Genome position (GRCh38, 1-based): chr5:131,671,575, T>C on the plus strand (A>G on the coding strand, the complement: FNIP1 is on the minus strand). VCF-style: chr5-131671575-T-C. GRCh37 (hg19) VCF-style: chr5-131007268-T-C.
Other names: c.2785A>G, p.Arg929Gly (NM_001008738.3); c.2734A>G, p.Arg912Gly (NM_001346114.2); short protein forms R912G, R957G, R929G.
Identifiers: ClinVar variation 2085521 (VCV002085521.3), dbSNP rs143245360, ClinGen allele CA3400457.